The following is an entry in ClinVar:

ClinVar aggregate classification (germline): Benign. Review status: criteria provided, multiple submitters, no conflicts (2 of 4 stars). 3 submissions from 3 submitters: Benign (2). 1 of the submissions does not count toward it. Last evaluated 2026-01-28.

Conditions:
JMJD1C-related disorder. Also called: JMJD1C-related condition.
Early Myoclonic Encephalopathy. Identifiers: MedGen C0270855.

Allele frequency attached by ClinVar (database versions not stated): ExAC 0.00748; ESP Exome Variant Server 0.02348; TOPMed 0.02631; gnomAD 0.02498 and 0.02681; 1000 Genomes Project 0.02716; gnomAD exomes 0.00212 and 0.00630; 1000 Genomes Project 30x 0.02748.
gnomAD v4.1: 6,344 of 1,288,520 alleles (0.49%); highest among the groups gnomAD compares: African/African-American, 8.5%; 239 homozygotes.

Submissions (3):

Labcorp Genetics (formerly Invitae), Labcorp
Classification: Benign for Early Myoclonic Encephalopathy. Last evaluated: 2026-01-28. Review status: criteria provided, single submitter. Criteria: Invitae Variant Classification Sherloc (09022015). Collection method: clinical testing. Allele origin: germline.

Breakthrough Genomics
Classification: Benign. Review status: criteria provided, single submitter. Criteria: ACMG Guidelines, 2015. Collection method: not provided. Allele origin: germline. Inheritance: Unknown mechanism. Affected: yes.

PreventionGenetics, part of Exact Sciences
Classification: Benign for JMJD1C-related condition. Last evaluated: 2019-07-12. Review status: no assertion criteria provided. Collection method: clinical testing. Allele origin: germline. Not counted in ClinVar's aggregate classification.
Comment: This variant is classified as benign based on ACMG/AMP sequence variant interpretation guidelines (Richards et al. 2015 PMID: 25741868, with internal and published modifications).

NM_032776.3(JMJD1C):c.447+7A>C

Gene: JMJD1C (jumonji domain containing 1C; minus strand). Cytogenetic location: 10q21.3.
Variant type: single nucleotide variant.
Coding change: c.447+7A>C on transcript NM_032776.3 (MANE Select); 7 bases into the intron after coding-DNA position 447, A replaced by C.
Molecular consequence: intron variant.
Genome position (GRCh38, 1-based): chr10:63,264,644, T>G on the plus strand (A>C on the coding strand, the complement: JMJD1C is on the minus strand). VCF-style: chr10-63264644-T-G. GRCh37 (hg19) VCF-style: chr10-65024404-T-G.
Other names: c.-105+7A>C (NM_001322258.2, NM_001322254.2); c.-100+7A>C (NM_001318154.2, NM_001282948.2); c.334-44661A>C (NM_001322252.2); c.-422+7A>C (NM_001318153.2).
Identifiers: ClinVar variation 460250 (VCV000460250.15), dbSNP rs73290502, ClinGen allele CA5519039.